The following is an entry in ClinVar:

ClinVar aggregate classification (germline): Conflicting classifications of pathogenicity. Review status: criteria provided, conflicting classifications (1 of 4 stars). 7 submissions from 7 submitters: Pathogenic (3); Likely pathogenic (2); Uncertain significance (1). 1 of the submissions does not count toward it. Last evaluated 2024-04-17.

Conditions:
Inborn genetic diseases. Identifiers: MedGen C0950123, MeSH D030342.
Cornelia de Lange syndrome 5 (CDLS5). Also called: HDAC8-Related Cornelia de Lange Syndrome. Identifiers: Orphanet 199, MedGen C3550903, MONDO:0010471, OMIM 300882.
Intellectual disability. Also called: intellectual disabilities; Intellectual functioning disability; Intellectual developmental disorder. Identifiers: HP:0002543, MedGen C3714756, MeSH D008607, MONDO:0001071.

Submissions (7):

Laboratory of Medical Genetics, National & Kapodistrian University of Athens
Classification: Pathogenic for Cornelia de Lange syndrome 5. Last evaluated: 2024-04-17. Review status: criteria provided, single submitter. Criteria: ACMG Guidelines, 2015. Collection method: clinical testing. Allele origin: de novo. Affected: yes.
Comment: PS4, PS3, PM1, PM2, PP3, PP5 - This missense variant has been reported in ClinVar as Pathogenic by other laboratories (Variation ID: 39713).In silico prediction tools estimated that the variant could be damaging for the protein function/stracture. It is not present in population databases (gnomAD no frequency). It is reported previously as causative (PMID: 24403048, 26671848). Functional studies support pathogenic effect (PMID: 22885700, 24403048).

Labcorp Genetics (formerly Invitae), Labcorp
Classification: Pathogenic for Cornelia de Lange syndrome 5. Last evaluated: 2022-12-25. Review status: criteria provided, single submitter. Criteria: Invitae Variant Classification Sherloc (09022015). Collection method: clinical testing. Allele origin: germline.
Comment: For these reasons, this variant has been classified as Pathogenic. Experimental studies have shown that this missense change affects HDAC8 function (PMID: 22885700, 24403048, 26725122). Advanced modeling of protein sequence and biophysical properties (such as structural, functional, and spatial information, amino acid conservation, physicochemical variation, residue mobility, and thermodynamic stability) performed at Invitae indicates that this missense variant is not expected to disrupt HDAC8 protein function. ClinVar contains an entry for this variant (Variation ID: 39713). This missense change has been observed in individual(s) with Cornelia de Lange syndrome or intellectual disability (PMID: 22885700, 24403048, 26671848, 27159028). In at least one individual the variant was observed to be de novo. This variant is not present in population databases (gnomAD no frequency). This sequence change replaces glycine, which is neutral and non-polar, with arginine, which is basic and polar, at codon 320 of the HDAC8 protein (p.Gly320Arg).

GeneDx
Classification: Pathogenic. Last evaluated: 2021-06-20. Review status: criteria provided, single submitter. Criteria: GeneDx Variant Classification Process June 2021. Collection method: clinical testing. Allele origin: germline. Affected: yes.
Comment: Published functional studies demonstrate a damaging effect on enzyme activity (Kaiser FJ, 2014); Not observed at significant frequency in large population cohorts (Lek et al., 2016); In silico analysis, which includes protein predictors and evolutionary conservation, supports a deleterious effect; This variant is associated with the following publications: (PMID: 32564284, 27535533, 26671848, 22885700, 30293248, 27159028, 24403048)

Human Genetics Laboratory, State University of Rio de Janeiro
Classification: Likely pathogenic for Intellectual disability. Last evaluated: 2019-10-07. Review status: criteria provided, single submitter. Criteria: ACMG Guidelines, 2015. Collection method: research. Allele origin: de novo. Inheritance: Sporadic. Affected: yes.

Ambry Genetics
Classification: Likely pathogenic for Inborn genetic diseases. Last evaluated: 2017-02-15. Review status: criteria provided, single submitter. Criteria: Ambry Variant Classification Scheme 2023. Collection method: clinical testing. Allele origin: germline.
Comment: The p.G320R variant (also known as c.958G>A), located in coding exon 9 of the HDAC8 gene, results from a G to A substitution at nucleotide position 958. The glycine at codon 320 is replaced by arginine, an amino acid with dissimilar properties. Extreme X-chromosome inactivation was observed with only the wild-type allele being expressed in blood, however this may not be representative of other tissues, such as the brain (Fieremans N et al. Hum. Mutat., 2016 Aug;37:804-11). This amino acid position is highly conserved in mammals but not in all available vertebrate species. In addition, this alteration is predicted to be deleterious by in silico analysis. Based on the majority of available evidence to date, this variant is likely to be pathogenic.

Center for Human Genetics, University of Leuven
Classification: Uncertain significance. Last evaluated: 2015-01-01. Review status: criteria provided, single submitter. Criteria: Fieremans et al. (Hum Mutat 2016). Collection method: literature only. Allele origin: de novo. Inheritance: Sporadic. Observed: 1 variant allele.

OMIM
Classification: Pathogenic for CORNELIA DE LANGE SYNDROME 5. Last evaluated: 2012-09-13. Review status: no assertion criteria provided. Collection method: literature only. Allele origin: germline. Not counted in ClinVar's aggregate classification.

Literature cited by the submitters: PubMed 22885700 (cited by 3 submitters); PubMed 24403048 (cited by Labcorp Genetics (formerly Invitae), Labcorp and Ambry Genetics); PubMed 26725122 (cited by Labcorp Genetics (formerly Invitae), Labcorp and Ambry Genetics); PubMed 26671848 (cited by Labcorp Genetics (formerly Invitae), Labcorp and Ambry Genetics); PubMed 27159028 (cited by Labcorp Genetics (formerly Invitae), Labcorp and Ambry Genetics); PubMed 24038889 (cited by Ambry Genetics).

NM_018486.3(HDAC8):c.958G>A (p.Gly320Arg)

Gene: HDAC8 (histone deacetylase 8; minus strand). Cytogenetic location: Xq13.1.
Variant type: single nucleotide variant.
Coding change: c.958G>A on transcript NM_018486.3 (MANE Select); coding-DNA position 958, G replaced by A.
Protein change: p.Gly320Arg; replaces glycine 320 with arginine.
Molecular consequence: missense variant. On other transcripts: non-coding transcript variant (1).
Genome position (GRCh38, 1-based): chrX:72,462,051, C>T on the plus strand (G>A on the coding strand, the complement: HDAC8 is on the minus strand). VCF-style: chrX-72462051-C-T. GRCh37 (hg19) VCF-style: chrX-71681901-C-T.
Other names: c.685G>A, p.Gly229Arg (NM_001166418.2); short protein forms G320R, G229R.
Identifiers: ClinVar variation 39713 (VCV000039713.19), dbSNP rs398122909, ClinGen allele CA261208.